The following is an entry in ClinVar:

NM_003998.4(NFKB1):c.2490C>A (p.Asp830Glu)

Gene: NFKB1 (nuclear factor kappa B subunit 1; plus strand). Cytogenetic location: 4q24.
Variant type: single nucleotide variant.
Coding change: c.2490C>A on transcript NM_003998.4 (MANE Select); coding-DNA position 2490, C replaced by A.
Protein change: p.Asp830Glu; replaces aspartic acid 830 with glutamic acid.
Molecular consequence: missense variant.
Genome position (GRCh38, 1-based): chr4:102,612,504, C>A. VCF-style: chr4-102612504-C-A. GRCh37 (hg19) VCF-style: chr4-103533661-C-A.
Other names: c.2487C>A, p.Asp829Glu (NM_001165412.2, NM_001319226.2, NM_001382627.1); c.2490C>A, p.Asp830Glu (NM_001382625.1, NM_001382626.1); c.2448C>A, p.Asp816Glu (NM_001382628.1); short protein forms D816E, D829E, D830E.
Identifiers: ClinVar variation 4056655 (VCV004056655.2).

ClinVar aggregate classification (germline): Uncertain significance. Review status: criteria provided, multiple submitters, no conflicts (2 of 4 stars). 2 submissions from 2 submitters: Uncertain significance (2). Last evaluated 2026-02-12.

Conditions:
Immunodeficiency, common variable, 12 (CVID12). Also called: NFKB1 DEFICIENCY; IMMUNODEFICIENCY, COMMON VARIABLE, 12, WITH AUTOIMMUNITY. Identifiers: Orphanet 1572, Orphanet 696874, MedGen C4225277, MONDO:0014697, OMIM 616576.

gnomAD v4.1: 7 of 1,613,962 alleles (0.00043%); highest among the groups gnomAD compares: African/African-American, 0.0093%; no homozygotes.

Submissions (2):

Women's Health and Genetics/Laboratory Corporation of America, LabCorp
Classification: Uncertain significance. Last evaluated: 2026-02-12. Review status: criteria provided, single submitter. Criteria: LabCorp Variant Classification Summary - May 2015. Collection method: clinical testing. Allele origin: germline.
Comment: Variant summary: NFKB1 c.2490C>A (p.Asp830Glu) results in a conservative amino acid change in the encoded protein sequence. Algorithms developed to predict the effect of missense changes on protein structure and function are either unavailable or do not agree on the potential impact of this missense change. The variant allele was found at a frequency of 1.6e-05 in 251394 control chromosomes. The available data on variant occurrences in the general population are insufficient to allow any conclusion about variant significance. To our knowledge, no occurrence of c.2490C>A in individuals affected with NFKB1-related conditions and no experimental evidence demonstrating its impact on protein function have been reported. ClinVar contains an entry for this variant (Variation ID: 4056655). Based on the evidence outlined above, the variant was classified as uncertain significance.

Laboratorio de Genetica e Diagnostico Molecular, Hospital Israelita Albert Einstein
Classification: Uncertain significance for Immunodeficiency, common variable, 12. Last evaluated: 2024-05-14. Review status: criteria provided, single submitter. Criteria: ACMG Guidelines, 2015. Collection method: clinical testing. Allele origin: germline. Affected: yes.
Comment: ACMG classification criteria: PM2 supporting, PP2 supporting, BP4 supporting